The following is an entry in ClinVar:

ClinVar aggregate classification (germline): Uncertain significance. Review status: criteria provided, multiple submitters, no conflicts (2 of 4 stars). 2 submissions from 2 submitters: Uncertain significance (2). Last evaluated 2023-10-19.

Conditions:
Inborn genetic diseases. Identifiers: MedGen C0950123, MeSH D030342.
Combined immunodeficiency due to LRBA deficiency. Also called: Common variable immunodeficiency 8, with autoimmunity. Identifiers: Orphanet 445018, MedGen C3553512, MONDO:0013863, OMIM 614700.

Allele frequency attached by ClinVar (database versions not stated): 1000 Genomes Project 30x 0.00016; 1000 Genomes Project 0.00020; gnomAD 0.00001 and 0.00003; TOPMed 0.00002; gnomAD exomes 0.00005 and 0.00010; ESP Exome Variant Server 0.00008; ExAC 0.00009.
gnomAD v4.1: 71 of 1,613,940 alleles (0.0044%); highest among the groups gnomAD compares: South Asian, 0.056%; 1 homozygote.

Submissions (2):

Labcorp Genetics (formerly Invitae), Labcorp
Classification: Uncertain significance for Combined immunodeficiency due to LRBA deficiency. Last evaluated: 2023-10-19. Review status: criteria provided, single submitter. Criteria: Invitae Variant Classification Sherloc (09022015). Collection method: clinical testing. Allele origin: germline.
Comment: This sequence change replaces threonine, which is neutral and polar, with methionine, which is neutral and non-polar, at codon 976 of the LRBA protein (p.Thr976Met). This variant is present in population databases (rs142209951, gnomAD 0.06%). This variant has not been reported in the literature in individuals affected with LRBA-related conditions. ClinVar contains an entry for this variant (Variation ID: 658696). Advanced modeling of protein sequence and biophysical properties (such as structural, functional, and spatial information, amino acid conservation, physicochemical variation, residue mobility, and thermodynamic stability) performed at Invitae indicates that this missense variant is not expected to disrupt LRBA protein function. In summary, the available evidence is currently insufficient to determine the role of this variant in disease. Therefore, it has been classified as a Variant of Uncertain Significance.

Ambry Genetics
Classification: Uncertain significance for Inborn genetic diseases. Last evaluated: 2022-09-07. Review status: criteria provided, single submitter. Criteria: Ambry Variant Classification Scheme 2023. Collection method: clinical testing. Allele origin: germline.

NM_001364905.1(LRBA):c.2927C>T (p.Thr976Met)

Gene: LRBA (LPS responsive beige-like anchor protein; minus strand). Cytogenetic location: 4q31.3.
Variant type: single nucleotide variant.
Coding change: c.2927C>T on transcript NM_001364905.1 (MANE Select); coding-DNA position 2927, C replaced by T.
Protein change: p.Thr976Met; replaces threonine 976 with methionine.
Molecular consequence: missense variant.
Genome position (GRCh38, 1-based): chr4:150,852,783, G>A on the plus strand (C>T on the coding strand, the complement: LRBA is on the minus strand). VCF-style: chr4-150852783-G-A. GRCh37 (hg19) VCF-style: chr4-151773935-G-A.
Other names: c.2927C>T, p.Thr976Met (NM_001199282.3, NM_001367550.1, NM_006726.5); short protein forms T976M.
Identifiers: ClinVar variation 658696 (VCV000658696.8), dbSNP rs142209951, ClinGen allele CA3103121.
Genomic context (GRCh38, chr4:150,852,783, plus strand): 5'-TCTATACTTGAATTTTCATTACCATTTGTGGTGAAATGAGGACAGACAGGAGAATCCTTC[G>A]TATCTGGTTGCTGGGATCCTACTGAAACATTAATATCCCTTCTAATGCCAGAGGCTGCTT-3'
Protein context (NP_001351834.1, residues 966-986): NVSVGSQQPD[Thr976Met]KDSPVCPHFT